The following is an entry in ClinVar:

ClinVar aggregate classification (germline): Uncertain significance. Review status: criteria provided, multiple submitters, no conflicts (2 of 4 stars). 3 submissions from 3 submitters: Uncertain significance (3). Last evaluated 2025-09-08.

Conditions:
Inborn genetic diseases. Identifiers: MedGen C0950123, MeSH D030342.
Autosomal dominant epilepsy with auditory features. Identifiers: Orphanet 101046, MedGen C1838062, MONDO:0010898.

Submissions (3):

GeneDx
Classification: Uncertain significance. Last evaluated: 2025-09-08. Review status: criteria provided, single submitter. Criteria: GeneDx Variant Classification Process June 2021. Collection method: clinical testing. Allele origin: germline. Affected: yes.
Comment: Not observed at significant frequency in large population cohorts (gnomAD); In silico analysis supports that this missense variant has a deleterious effect on protein structure/function; In silico analysis is inconclusive as to whether the variant alters gene splicing. In the absence of RNA/functional studies, the actual effect of this sequence change is unknown.; Has not been previously published as pathogenic or benign to our knowledge

Labcorp Genetics (formerly Invitae), Labcorp
Classification: Uncertain significance for Autosomal dominant epilepsy with auditory features. Last evaluated: 2025-05-12. Review status: criteria provided, single submitter. Criteria: Invitae Variant Classification Sherloc (09022015). Collection method: clinical testing. Allele origin: germline.
Comment: This sequence change replaces proline, which is neutral and non-polar, with leucine, which is neutral and non-polar, at codon 91 of the LGI1 protein (p.Pro91Leu). This variant is not present in population databases (gnomAD no frequency). This variant has not been reported in the literature in individuals affected with LGI1-related conditions. ClinVar contains an entry for this variant (Variation ID: 206025). Invitae Evidence Modeling of protein sequence and biophysical properties (such as structural, functional, and spatial information, amino acid conservation, physicochemical variation, residue mobility, and thermodynamic stability) indicates that this missense variant is not expected to disrupt LGI1 protein function with a negative predictive value of 80%. In summary, the available evidence is currently insufficient to determine the role of this variant in disease. Therefore, it has been classified as a Variant of Uncertain Significance.

Ambry Genetics
Classification: Uncertain significance for Inborn genetic diseases. Last evaluated: 2024-02-22. Review status: criteria provided, single submitter. Criteria: Ambry Variant Classification Scheme 2023. Collection method: clinical testing. Allele origin: germline.

NM_005097.4(LGI1):c.272C>T (p.Pro91Leu)

Gene: LGI1 (leucine rich glioma inactivated 1; plus strand). Cytogenetic location: 10q23.33.
Variant type: single nucleotide variant.
Coding change: c.272C>T on transcript NM_005097.4 (MANE Select); coding-DNA position 272, C replaced by T.
Protein change: p.Pro91Leu; replaces proline 91 with leucine.
Molecular consequence: missense variant. On other transcripts: non-coding transcript variant (1).
Genome position (GRCh38, 1-based): chr10:93,758,816, C>T. VCF-style: chr10-93758816-C-T. GRCh37 (hg19) VCF-style: chr10-95518573-C-T.
Other names: p.P91L:CCA>CTA; c.272C>T, p.Pro91Leu (NM_001308275.2, NM_001308276.2); short protein forms P91L.
Identifiers: ClinVar variation 206025 (VCV000206025.14), dbSNP rs796052693, ClinGen allele CA315711.